The following is an entry in ClinVar:

ClinVar aggregate classification (germline): Likely benign. Review status: criteria provided, multiple submitters, no conflicts (2 of 4 stars). 3 submissions from 3 submitters: Likely benign (3). Last evaluated 2024-11-05.

Allele frequency attached by ClinVar (database versions not stated): TOPMed 0.00020; gnomAD 0.00021; ESP Exome Variant Server 0.00023; gnomAD exomes 0.00025 and 0.00027; ExAC 0.00029; 1000 Genomes Project 0.00040; 1000 Genomes Project 30x 0.00062.
gnomAD v4.1: 424 of 1,614,216 alleles (0.026%); highest among the groups gnomAD compares: Non-Finnish European, 0.031%; no homozygotes.

Submissions (3):

Labcorp Genetics (formerly Invitae), Labcorp
Classification: Likely benign. Last evaluated: 2024-11-05. Review status: criteria provided, single submitter. Criteria: Invitae Variant Classification Sherloc (09022015). Collection method: clinical testing. Allele origin: germline.

CeGaT Center for Human Genetics Tuebingen
Classification: Likely benign. Last evaluated: 2022-08-01. Review status: criteria provided, single submitter. Criteria: CeGaT Center For Human Genetics Tuebingen Variant Classification Criteria Version 2. Collection method: clinical testing. Allele origin: germline. Affected: yes. Observed: 1 variant allele.
Comment: ATP2B2: BP4, BP7

Breakthrough Genomics
Classification: Likely benign. Review status: criteria provided, single submitter. Criteria: ACMG Guidelines, 2015. Collection method: not provided. Allele origin: germline. Inheritance: Autosomal recessive inheritance. Affected: yes.

NM_001001331.4(ATP2B2):c.153G>A (p.Gly51=)

Gene: ATP2B2 (ATPase plasma membrane Ca2+ transporting 2; minus strand). Cytogenetic location: 3p25.3.
Variant type: single nucleotide variant.
Coding change: c.153G>A on transcript NM_001001331.4 (MANE Select); coding-DNA position 153, G replaced by A.
Protein change: p.Gly51=; no amino-acid change (glycine 51 retained).
Molecular consequence: synonymous variant.
Genome position (GRCh38, 1-based): chr3:10,449,391, C>T on the plus strand (G>A on the coding strand, the complement: ATP2B2 is on the minus strand). VCF-style: chr3-10449391-C-T. GRCh37 (hg19) VCF-style: chr3-10491075-C-T.
Other names: c.153G>A, p.Gly51= (NM_001330611.3, NM_001353564.1, NM_001363862.1 and 1 more transcripts).
Identifiers: ClinVar variation 1582745 (VCV001582745.33), dbSNP rs114322661, ClinGen allele CA2254099.